The following is an entry in ClinVar:

ClinVar aggregate classification (germline): Uncertain significance. Review status: criteria provided, multiple submitters, no conflicts (2 of 4 stars). 4 submissions from 4 submitters: Uncertain significance (4). Last evaluated 2026-09-04.

Conditions:
Ataxia-telangiectasia syndrome (AT). Also called: LOUIS-BAR SYNDROME; Ataxia telangiectasia (A-T); Ataxia-telangiectasia, complementation group D; AT, COMPLEMENTATION GROUP C; Cerebello-oculocutaneous telangiectasia; Immunodeficiency with ataxia telangiectasia. Identifiers: Orphanet 100, MedGen C0004135, MONDO:0008840, OMIM 208900.
Hereditary cancer-predisposing syndrome. Also called: Neoplastic Syndromes, Hereditary; Hereditary Cancer Syndrome; Hereditary neoplastic syndrome; Tumor predisposition. Identifiers: Orphanet 140162, MedGen C0027672, MeSH D009386, MONDO:0015356.

Submissions (4):

Ambry Genetics
Classification: Uncertain significance for Hereditary cancer-predisposing syndrome. Last evaluated: 2026-09-04. Review status: criteria provided, single submitter. Criteria: Ambry Variant Classification Scheme 2023. Collection method: clinical testing. Allele origin: germline.
Comment: The p.G1676E variant (also known as c.5027G>A), located in coding exon 33 of the ATM gene, results from a G to A substitution at nucleotide position 5027. The glycine at codon 1676 is replaced by glutamic acid, an amino acid with similar properties. In an assay testing ATM function, this variant showed a functionally abnormal result (Lee KS et al. Cell, 2025 Sep;188:5081-5099.e27). This amino acid position is highly conserved in available vertebrate species. In addition, this alteration is predicted to be deleterious by in silico analysis. Based on the available evidence, the clinical significance of this variant remains unclear.

Color Diagnostics, LLC DBA Color Health
Classification: Uncertain significance for Hereditary cancer-predisposing syndrome. Last evaluated: 2023-01-09. Review status: criteria provided, single submitter. Criteria: ACMG Guidelines, 2015. Collection method: clinical testing. Allele origin: germline.
Comment: This missense variant replaces glycine with glutamic acid at codon 1676 of the ATM protein. Computational prediction suggests that this variant may have deleterious impact on protein structure and function (internally defined REVEL score threshold >= 0.7, PMID: 27666373). To our knowledge, functional studies have not been reported for this variant. This variant has not been reported in individuals affected with ATM-related disorders in the literature. This variant has not been identified in the general population by the Genome Aggregation Database (gnomAD). The available evidence is insufficient to determine the role of this variant in disease conclusively. Therefore, this variant is classified as a Variant of Uncertain Significance.

Labcorp Genetics (formerly Invitae), Labcorp
Classification: Uncertain significance for Ataxia-telangiectasia syndrome. Last evaluated: 2022-12-15. Review status: criteria provided, single submitter. Criteria: Invitae Variant Classification Sherloc (09022015). Collection method: clinical testing. Allele origin: germline.
Comment: This variant is not present in population databases (gnomAD no frequency). This sequence change replaces glycine, which is neutral and non-polar, with glutamic acid, which is acidic and polar, at codon 1676 of the ATM protein (p.Gly1676Glu). This variant has not been reported in the literature in individuals affected with ATM-related conditions. In summary, the available evidence is currently insufficient to determine the role of this variant in disease. Therefore, it has been classified as a Variant of Uncertain Significance. Algorithms developed to predict the effect of missense changes on protein structure and function (SIFT, PolyPhen-2, Align-GVGD) all suggest that this variant is likely to be disruptive. ClinVar contains an entry for this variant (Variation ID: 571964).

GeneDx
Classification: Uncertain significance. Last evaluated: 2022-09-12. Review status: criteria provided, single submitter. Criteria: GeneDx Variant Classification Process June 2021. Collection method: clinical testing. Allele origin: germline. Affected: yes.
Comment: Not observed at significant frequency in large population cohorts (gnomAD); In silico analysis supports that this missense variant has a deleterious effect on protein structure/function; Has not been previously published as pathogenic or benign to our knowledge; This variant is associated with the following publications: (PMID: 32757002)

Literature cited by the submitters: PubMed 40580951 (cited by Ambry Genetics).

NM_000051.4(ATM):c.5027G>A (p.Gly1676Glu)

Gene: ATM (ATM serine/threonine kinase; plus strand). Cytogenetic location: 11q22.3.
Variant type: single nucleotide variant.
Coding change: c.5027G>A on transcript NM_000051.4 (MANE Select); coding-DNA position 5027, G replaced by A.
Protein change: p.Gly1676Glu; replaces glycine 1676 with glutamic acid.
Molecular consequence: missense variant.
Genome position (GRCh38, 1-based): chr11:108,299,735, G>A. VCF-style: chr11-108299735-G-A. GRCh37 (hg19) VCF-style: chr11-108170462-G-A.
Other names: c.5027G>A, p.Gly1676Glu (NM_001351834.2); short protein forms G1676E.
Identifiers: ClinVar variation 571964 (VCV000571964.11), dbSNP rs1565473530, ClinGen allele CA382540245.
Genomic context (GRCh38, chr11:108,299,735, plus strand): 5'-TTACCTATGACTCTACTGAAATAGAATTTCTATATGTAGAGGCTGTTGGAAGCTGCTTGG[G>A]AGAAGTGGGTCCTATAGATTTCTCTACCATAGCTATACAACATAGTAAAGATGCATCTTA-3'
Protein context (NP_000042.3, residues 1666-1686): EVLEAVGSCL[Gly1676Glu]EVGPIDFSTI